The following is an entry in ClinVar:

NM_006218.4(PIK3CA):c.1404+3A>T

Gene: PIK3CA (phosphatidylinositol-4,5-bisphosphate 3-kinase catalytic subunit alpha; plus strand). Cytogenetic location: 3q26.32.
Variant type: single nucleotide variant.
Coding change: c.1404+3A>T on transcript NM_006218.4 (MANE Select); 3 bases into the intron after coding-DNA position 1404, A replaced by T.
Molecular consequence: intron variant.
Genome position (GRCh38, 1-based): chr3:179,210,341, A>T. VCF-style: chr3-179210341-A-T. GRCh37 (hg19) VCF-style: chr3-178928129-A-T.
Identifiers: ClinVar variation 2084833 (VCV002084833.4), dbSNP rs1290303699, ClinGen allele CA547912570.

ClinVar aggregate classification (germline): Uncertain significance (1 of 4 stars; one submission).

Conditions:
Cowden syndrome (CS). Also called: Cowden's disease; Cowden's syndrome; Cowden disease. Identifiers: Orphanet 201, MedGen C0018553, MONDO:0016063. Disease mechanism: gain of function.

gnomAD v4.1: 3 of 1,585,572 alleles (0.00019%); highest among the groups gnomAD compares: Non-Finnish European, 0.00026%; no homozygotes.

Submission:

Labcorp Genetics (formerly Invitae), Labcorp
Classification: Uncertain significance for Cowden syndrome. Last evaluated: 2022-01-12. Review status: criteria provided, single submitter. Criteria: Invitae Variant Classification Sherloc (09022015). Collection method: clinical testing. Allele origin: germline.
Comment: This sequence change falls in intron 8 of the PIK3CA gene. It does not directly change the encoded amino acid sequence of the PIK3CA protein. It affects a nucleotide within the consensus splice site. This variant is present in population databases (no rsID available, gnomAD 0.001%). This variant has not been reported in the literature in individuals affected with PIK3CA-related conditions. Variants that disrupt the consensus splice site are a relatively common cause of aberrant splicing (PMID: 17576681, 9536098). Algorithms developed to predict the effect of sequence changes on RNA splicing suggest that this variant may disrupt the consensus splice site. In summary, the available evidence is currently insufficient to determine the role of this variant in disease. Therefore, it has been classified as a Variant of Uncertain Significance.

Literature cited by the submitters: PubMed 17576681; PubMed 9536098.